The following is an entry in ClinVar:

ClinVar aggregate classification (germline): Uncertain significance (1 of 4 stars; one submission).

Conditions:
Alstrom syndrome (ALMS). Identifiers: Orphanet 64, MedGen C0268425, MONDO:0008763, OMIM 203800.

Allele frequency attached by ClinVar (database versions not stated): gnomAD exomes below 0.00001.
gnomAD v4.1: 1 of 1,612,784 alleles (0.000062%); highest among the groups gnomAD compares: African/African-American, 0.0013%; no homozygotes.

Submission:

Labcorp Genetics (formerly Invitae), Labcorp
Classification: Uncertain significance for Alstrom syndrome. Last evaluated: 2021-06-20. Review status: criteria provided, single submitter. Criteria: Invitae Variant Classification Sherloc (09022015). Collection method: clinical testing. Allele origin: germline.
Comment: This sequence change replaces valine with isoleucine at codon 111 of the ALMS1 protein (p.Val111Ile). The valine residue is weakly conserved and there is a small physicochemical difference between valine and isoleucine. This variant is not present in population databases (ExAC no frequency). This variant has not been reported in the literature in individuals with ALMS1-related conditions. Experimental studies and prediction algorithms are not available or were not evaluated, and the functional significance of this variant is currently unknown. In summary, the available evidence is currently insufficient to determine the role of this variant in disease. Therefore, it has been classified as a Variant of Uncertain Significance.

NM_001378454.1(ALMS1):c.328G>A (p.Val110Ile)

Gene: ALMS1 (ALMS1 centrosome and basal body associated protein; plus strand). Cytogenetic location: 2p13.1.
Variant type: single nucleotide variant.
Coding change: c.328G>A on transcript NM_001378454.1 (MANE Select); coding-DNA position 328, G replaced by A.
Protein change: p.Val110Ile; replaces valine 110 with isoleucine.
Molecular consequence: missense variant.
Genome position (GRCh38, 1-based): chr2:73,408,625, G>A. VCF-style: chr2-73408625-G-A. GRCh37 (hg19) VCF-style: chr2-73635753-G-A.
Other names: c.331G>A, p.Val111Ile (NM_015120.4); short protein forms V110I, V111I.
Identifiers: ClinVar variation 1362743 (VCV001362743.6), dbSNP rs2103675391, ClinGen allele CA347257488.